The following is an entry in ClinVar:

NM_001375524.1(TRRAP):c.8207C>T (p.Thr2736Met)

Gene: TRRAP (transformation/transcription domain associated protein; plus strand). Cytogenetic location: 7q22.1.
Variant type: single nucleotide variant.
Coding change: c.8207C>T on transcript NM_001375524.1 (MANE Select); coding-DNA position 8207, C replaced by T.
Protein change: p.Thr2736Met; replaces threonine 2736 with methionine.
Molecular consequence: missense variant.
Genome position (GRCh38, 1-based): chr7:98,976,730, C>T. VCF-style: chr7-98976730-C-T. GRCh37 (hg19) VCF-style: chr7-98574353-C-T.
Other names: c.8186C>T (NM_001244580.1); c.8186C>T, p.Thr2729Met (NM_001244580.2); c.8132C>T, p.Thr2711Met (NM_003496.4); short protein forms T2711M, T2729M, T2736M.
Identifiers: ClinVar variation 2197022 (VCV002197022.29), dbSNP rs775054593, ClinGen allele CA4361342.

ClinVar aggregate classification (germline): Benign/Likely benign. Review status: criteria provided, multiple submitters, no conflicts (2 of 4 stars). 3 submissions from 3 submitters: Benign (1); Likely benign (2). Last evaluated 2025-03-31.

Conditions:
Inborn genetic diseases. Identifiers: MedGen C0950123, MeSH D030342.

Allele frequency attached by ClinVar (database versions not stated): gnomAD exomes 0.00002; gnomAD 0.00005; ExAC 0.00006; TOPMed 0.00006.
gnomAD v4.1: 38 of 1,613,858 alleles (0.0024%); highest among the groups gnomAD compares: African/African-American, 0.011%; 1 homozygote.

Submissions (3):

Labcorp Genetics (formerly Invitae), Labcorp
Classification: Benign. Last evaluated: 2025-03-31. Review status: criteria provided, single submitter. Criteria: Invitae Variant Classification Sherloc (09022015). Collection method: clinical testing. Allele origin: germline.

CeGaT Center for Human Genetics Tuebingen
Classification: Likely benign. Last evaluated: 2024-03-01. Review status: criteria provided, single submitter. Criteria: CeGaT Center For Human Genetics Tuebingen Variant Classification Criteria Version 2. Collection method: clinical testing. Allele origin: germline. Affected: yes. Observed: 4 variant alleles.
Comment: TRRAP: BP4, BS2

Ambry Genetics
Classification: Likely benign for Inborn genetic diseases. Last evaluated: 2024-01-09. Review status: criteria provided, single submitter. Criteria: Ambry Variant Classification Scheme 2023. Collection method: clinical testing. Allele origin: germline.